The following is an entry in ClinVar:

ClinVar aggregate classification (germline): Pathogenic/Likely pathogenic. Review status: criteria provided, multiple submitters, no conflicts (2 of 4 stars). 2 submissions from 2 submitters: Pathogenic (1); Likely pathogenic (1). Last evaluated 2021-10-18.

Conditions:
Hereditary cancer-predisposing syndrome. Also called: Neoplastic Syndromes, Hereditary; Tumor predisposition; Hereditary Cancer Syndrome; Hereditary neoplastic syndrome. Identifiers: Orphanet 140162, MedGen C0027672, MeSH D009386, MONDO:0015356.
Cardiovascular phenotype. Identifiers: MedGen CN230736.

Submissions (2):

Genetic Services Laboratory, University of Chicago
Classification: Likely pathogenic. Last evaluated: 2021-10-18. Review status: criteria provided, single submitter. Criteria: ACMG Guidelines, 2015. Collection method: clinical testing. Allele origin: germline. Affected: yes.
Comment: DNA sequence analysis of the NF1 gene demonstrated a single base pair deletion in exon 36, c.4884del. This likely pathogenic sequence change results in an amino acid frameshift and creates a premature stop codon 48 amino acids downstream of the change, p.Pro1629Leufs*48. This likely pathogenic sequence change is predicted to result in an abnormal transcript, which may be degraded, or may lead to the production of a truncated NF1 protein with potentially abnormal function. The c.4884del sequence change has not been described in population databases such as ExAC and gnomAD. While this sequence change has not previously been described in the literature, other deletions and downstream truncating variants in the NF1 gene have been reported in several individuals with NF1-related disorders. Collectively, these evidences indicate this sequence gene is likely pathogenic, however functional studies have not been performed to prove this conclusively.

Ambry Genetics
Classification: Pathogenic for Cardiovascular phenotype; Hereditary cancer-predisposing syndrome. Last evaluated: 2021-01-05. Review status: criteria provided, single submitter. Criteria: Ambry Variant Classification Scheme 2023. Collection method: clinical testing. Allele origin: germline.
Comment: The c.4884delG pathogenic mutation, located in coding exon 36 of the NF1 gene, results from a deletion of one nucleotide at nucleotide position 4884, causing a translational frameshift with a predicted alternate stop codon (p.P1629Lfs*48). This alteration is expected to result in loss of function by premature protein truncation or nonsense-mediated mRNA decay. As such, this alteration is interpreted as a disease-causing mutation.

NM_001042492.3(NF1):c.4947del (p.Pro1650fs)

Gene: NF1 (neurofibromin 1; plus strand). Cytogenetic location: 17q11.2.
Variant type: Deletion.
Coding change: c.4947del on transcript NM_001042492.3 (MANE Select); coding-DNA position 4947, one base deleted (G; older notation c.4947delG).
Protein change: p.Pro1650fs; shifts the reading frame from proline 1650.
Molecular consequence: frameshift variant.
Genome position (GRCh38, 1-based): chr17:31,325,931, G deleted; the last of 3 consecutive G bases (chr17:31,325,929-31,325,931); deleting any one gives the same sequence. VCF-style (leftmost placement, unchanged base first): chr17-31325928-CG-C. GRCh37 (hg19) VCF-style: chr17-29652946-CG-C.
Other names: c.4884delG (NM_000267.3); c.4884delG, p.Pro1629Leufs (NM_000267.4); short protein forms P1629fs, P1650fs.
Identifiers: ClinVar variation 1338664 (VCV001338664.6), dbSNP rs2151537841, ClinGen allele CA2573054389.